The following is an entry in ClinVar:

NM_000135.4(FANCA):c.2879A>G (p.His960Arg)

Gene: FANCA (FA complementation group A; minus strand). Cytogenetic location: 16q24.3.
Variant type: single nucleotide variant.
Coding change: c.2879A>G on transcript NM_000135.4 (MANE Select); coding-DNA position 2879, A replaced by G.
Protein change: p.His960Arg; replaces histidine 960 with arginine.
Molecular consequence: missense variant.
Genome position (GRCh38, 1-based): chr16:89,758,679, T>C on the plus strand (A>G on the coding strand, the complement: FANCA is on the minus strand). VCF-style: chr16-89758679-T-C. GRCh37 (hg19) VCF-style: chr16-89825087-T-C.
Other names: c.2879A>G, p.His960Arg (NM_001286167.3); short protein forms H960R.
Identifiers: ClinVar variation 1380505 (VCV001380505.8), dbSNP rs1460469198, ClinGen allele CA397431486.

ClinVar aggregate classification (germline): Uncertain significance (1 of 4 stars; one submission).

Conditions:
Fanconi anemia (FA). Also called: Fanconi's anemia. Identifiers: Orphanet 84, MedGen C0015625, MeSH D005199, MONDO:0019391.

Allele frequency attached by ClinVar (database versions not stated): gnomAD exomes below 0.00001; gnomAD 0.00001; TOPMed 0.00001.
gnomAD v4.1: 7 of 1,613,860 alleles (0.00043%); highest among the groups gnomAD compares: Non-Finnish European, 0.00059%; no homozygotes.

Submission:

Labcorp Genetics (formerly Invitae), Labcorp
Classification: Uncertain significance for Fanconi anemia. Last evaluated: 2023-10-03. Review status: criteria provided, single submitter. Criteria: Invitae Variant Classification Sherloc (09022015). Collection method: clinical testing. Allele origin: germline.
Comment: This sequence change replaces histidine, which is basic and polar, with arginine, which is basic and polar, at codon 960 of the FANCA protein (p.His960Arg). This variant is present in population databases (no rsID available, gnomAD 0.0009%). This variant has not been reported in the literature in individuals affected with FANCA-related conditions. ClinVar contains an entry for this variant (Variation ID: 1380505). Advanced modeling of protein sequence and biophysical properties (such as structural, functional, and spatial information, amino acid conservation, physicochemical variation, residue mobility, and thermodynamic stability) performed at Invitae indicates that this missense variant is not expected to disrupt FANCA protein function. In summary, the available evidence is currently insufficient to determine the role of this variant in disease. Therefore, it has been classified as a Variant of Uncertain Significance.